The following is an entry in ClinVar:

NM_152564.5(VPS13B):c.11285C>T (p.Ala3762Val)

Gene: VPS13B (vacuolar protein sorting 13 homolog B; plus strand). Cytogenetic location: 8q22.2.
Variant type: single nucleotide variant.
Coding change: c.11285C>T on transcript NM_152564.5 (MANE Select); coding-DNA position 11285, C replaced by T.
Protein change: p.Ala3762Val; replaces alanine 3762 with valine.
Molecular consequence: missense variant.
Genome position (GRCh38, 1-based): chr8:99,868,358, C>T. VCF-style: chr8-99868358-C-T. GRCh37 (hg19) VCF-style: chr8-100880586-C-T.
Other names: c.11285C>T (NM_152564.4); c.11360C>T, p.Ala3787Val (NM_017890.5); short protein forms A3762V, A3787V.
Identifiers: ClinVar variation 1433581 (VCV001433581.6), dbSNP rs767840130, ClinGen allele CA4825202.

ClinVar aggregate classification (germline): Uncertain significance. Review status: criteria provided, multiple submitters, no conflicts (2 of 4 stars). 2 submissions from 2 submitters: Uncertain significance (2). Last evaluated 2026-06-22.

Conditions:
Cohen syndrome (COH1). Also called: PEPPER SYNDROME; Cutis verticis gyrata, retinitis pigmentosa, and sensorineural deafness. Identifiers: Orphanet 193, MedGen C0265223, MONDO:0008999, OMIM 216550.
VPS13B-related disorder. Also called: VPS13B-related condition.

Allele frequency attached by ClinVar (database versions not stated): gnomAD exomes below 0.00001; TOPMed below 0.00001; ExAC 0.00001.

Submissions (2):

PreventionGenetics, part of Exact Sciences
Classification: Uncertain significance for VPS13B-related condition. Last evaluated: 2026-06-22. Review status: criteria provided, single submitter. Criteria: ACMG Guidelines, 2015. Collection method: clinical testing. Allele origin: germline.
Comment: The VPS13B c.11285C>T variant is predicted to result in the amino acid substitution p.Ala3762Val. To our knowledge, this variant has not been reported in the literature. This variant is reported in 0.0029% of alleles in individuals of Latino descent in gnomAD. At this time, the clinical significance of this variant is uncertain due to the absence of conclusive functional and genetic evidence.

Labcorp Genetics (formerly Invitae), Labcorp
Classification: Uncertain significance for Cohen syndrome. Last evaluated: 2021-09-17. Review status: criteria provided, single submitter. Criteria: Invitae Variant Classification Sherloc (09022015). Collection method: clinical testing. Allele origin: germline.
Comment: This sequence change replaces alanine with valine at codon 3787 of the VPS13B protein (p.Ala3787Val). The alanine residue is moderately conserved and there is a small physicochemical difference between alanine and valine. This variant is present in population databases (rs767840130, ExAC 0.009%). This variant has not been reported in the literature in individuals affected with VPS13B-related conditions. Algorithms developed to predict the effect of missense changes on protein structure and function are either unavailable or do not agree on the potential impact of this missense change (SIFT: "Not Available"; PolyPhen-2: "Benign"; Align-GVGD: "Not Available"). Algorithms developed to predict the effect of sequence changes on RNA splicing suggest that this variant may create or strengthen a splice site. In summary, the available evidence is currently insufficient to determine the role of this variant in disease. Therefore, it has been classified as a Variant of Uncertain Significance.